The following is an entry in ClinVar:

ClinVar aggregate classification (germline): Benign/Likely benign. Review status: criteria provided, multiple submitters, no conflicts (2 of 4 stars). 6 submissions from 6 submitters: Benign (1); Likely benign (5). Last evaluated 2025-12-15.

Conditions:
Charcot-Marie-Tooth disease, type I (CMT1). Also called: Charcot-Marie-Tooth, Type 1; Charcot-Marie-Tooth disease type 1. Identifiers: Orphanet 65753, MedGen C0751036, MONDO:0019011.
EGR2-related disorder. Also called: EGR2-related condition.

Allele frequency attached by ClinVar (database versions not stated): gnomAD 0.00138 and 0.00148; TOPMed 0.00154; 1000 Genomes Project 30x 0.00156; 1000 Genomes Project 0.00180; ESP Exome Variant Server 0.00192.

Submissions (6):

Labcorp Genetics (formerly Invitae), Labcorp
Classification: Benign for Charcot-Marie-Tooth disease, type I. Last evaluated: 2025-12-15. Review status: criteria provided, single submitter. Criteria: Invitae Variant Classification Sherloc (09022015). Collection method: clinical testing. Allele origin: germline.

Mayo Clinic Laboratories, Mayo Clinic
Classification: Likely benign. Last evaluated: 2025-08-14. Review status: criteria provided, single submitter. Criteria: ACMG Guidelines, 2015. Collection method: clinical testing. Allele origin: germline. Observed: 3 variant alleles.
Comment: BS1, BP4_moderate

Women's Health and Genetics/Laboratory Corporation of America, LabCorp
Classification: Likely benign. Last evaluated: 2025-05-06. Review status: criteria provided, single submitter. Criteria: LabCorp Variant Classification Summary - May 2015. Collection method: clinical testing. Allele origin: germline.
Comment: Variant summary: EGR2 c.1399G>C (p.Ala467Pro) results in a non-conservative amino acid change in the encoded protein sequence. Algorithms developed to predict the effect of missense changes on protein structure and function are either unavailable or do not agree on the potential impact of this missense change. The variant allele was found at a frequency of 0.00036 in 208048 control chromosomes, predominantly at a frequency of 0.0042 within the African or African-American subpopulation in the gnomAD database. The observed variant frequency within African or African-American control individuals in the gnomAD database exceeds the estimated maximal expected allele frequency for a pathogenic variant in EGR2 causing EGR2-Related Disorders phenotype. To our knowledge, no occurrence of c.1399G>C in individuals affected with EGR2-Related Disorders and no experimental evidence demonstrating its impact on protein function have been reported. ClinVar contains an entry for this variant (Variation ID: 531709). Based on the evidence outlined above, the variant was classified as likely benign.

PreventionGenetics, part of Exact Sciences
Classification: Likely benign for EGR2-related condition. Last evaluated: 2025-02-18. Review status: criteria provided, single submitter. Criteria: ACMG Guidelines, 2015. Collection method: clinical testing. Allele origin: germline.
Comment: This variant is classified as likely benign based on ACMG/AMP sequence variant interpretation guidelines (Richards et al. 2015 PMID: 25741868, with internal and published modifications).

ARUP Laboratories, Molecular Genetics and Genomics, ARUP Laboratories
Classification: Likely benign. Last evaluated: 2024-10-15. Review status: criteria provided, single submitter. Criteria: ARUP Molecular Germline Variant Investigation Process 2024. Collection method: clinical testing. Allele origin: germline.

GeneDx
Classification: Likely benign. Last evaluated: 2020-09-22. Review status: criteria provided, single submitter. Criteria: GeneDx Variant Classification Process June 2021. Collection method: clinical testing. Allele origin: germline. Affected: yes.
Comment: This variant is associated with the following publications: (PMID: 32376792)

Literature cited by the submitters: PubMed 32376792 (cited by Mayo Clinic Laboratories, Mayo Clinic).

NM_000399.5(EGR2):c.1399G>C (p.Ala467Pro)

Gene: EGR2 (early growth response 2; minus strand). Cytogenetic location: 10q21.3.
Variant type: single nucleotide variant.
Coding change: c.1399G>C on transcript NM_000399.5 (MANE Select); coding-DNA position 1399, G replaced by C.
Protein change: p.Ala467Pro; replaces alanine 467 with proline.
Molecular consequence: missense variant.
Genome position (GRCh38, 1-based): chr10:62,813,239, C>G on the plus strand (G>C on the coding strand, the complement: EGR2 is on the minus strand). VCF-style: chr10-62813239-C-G. GRCh37 (hg19) VCF-style: chr10-64572999-C-G.
Other names: c.1399G>C, p.Ala467Pro (NM_001136177.3, NM_001136178.2); c.1249G>C, p.Ala417Pro (NM_001136179.3, NM_001321037.2); c.1399G>C (NM_000399.4); short protein forms A467P, A417P.
Identifiers: ClinVar variation 531709 (VCV000531709.23), dbSNP rs146116229, ClinGen allele CA5517142.